The following is an entry in ClinVar:

ClinVar aggregate classification (germline): Uncertain significance (1 of 4 stars; one submission).

Conditions:
Cardiovascular phenotype. Identifiers: MedGen CN230736.

Submission:

Ambry Genetics
Classification: Uncertain significance for Cardiovascular phenotype. Last evaluated: 2022-10-02. Review status: criteria provided, single submitter. Criteria: Ambry Variant Classification Scheme 2023. Collection method: clinical testing. Allele origin: germline.
Comment: The p.T400S variant (also known as c.1198A>T), located in coding exon 4 of the BAG3 gene, results from an A to T substitution at nucleotide position 1198. The threonine at codon 400 is replaced by serine, an amino acid with similar properties. This amino acid position is conserved. In addition, this alteration is predicted to be tolerated by in silico analysis. Since supporting evidence is limited at this time, the clinical significance of this alteration remains unclear.

NM_004281.4(BAG3):c.1198A>T (p.Thr400Ser)

Gene: BAG3 (BAG cochaperone 3; plus strand). Cytogenetic location: 10q26.11.
Variant type: single nucleotide variant.
Coding change: c.1198A>T on transcript NM_004281.4 (MANE Select); coding-DNA position 1198, A replaced by T.
Protein change: p.Thr400Ser; replaces threonine 400 with serine.
Molecular consequence: missense variant.
Genome position (GRCh38, 1-based): chr10:119,676,752, A>T. VCF-style: chr10-119676752-A-T. GRCh37 (hg19) VCF-style: chr10-121436264-A-T.
Other names: short protein forms T400S.
Identifiers: ClinVar variation 1746498 (VCV001746498.2), dbSNP rs766557073, ClinGen allele CA214224992.